The following is an entry in ClinVar:

ClinVar aggregate classification (germline): Uncertain significance (1 of 4 stars; one submission).

Submission:

Labcorp Genetics (formerly Invitae), Labcorp
Classification: Uncertain significance. Last evaluated: 2024-06-08. Review status: criteria provided, single submitter. Criteria: Invitae Variant Classification Sherloc (09022015). Collection method: clinical testing. Allele origin: germline.
Comment: This sequence change creates a premature translational stop signal (p.Pro449Leufs*6) in the AGT gene. While this is not anticipated to result in nonsense mediated decay, it is expected to disrupt the last 37 amino acid(s) of the AGT protein. This variant is not present in population databases (gnomAD no frequency). This variant has not been reported in the literature in individuals affected with AGT-related conditions. Experimental studies and prediction algorithms are not available or were not evaluated, and the functional significance of this variant is currently unknown. In summary, the available evidence is currently insufficient to determine the role of this variant in disease. Therefore, it has been classified as a Variant of Uncertain Significance.

NM_001384479.1(AGT):c.1319del (p.Pro440fs)

Gene: AGT (angiotensinogen; minus strand). Cytogenetic location: 1q42.2.
Variant type: Deletion.
Coding change: c.1319del on transcript NM_001384479.1 (MANE Select); coding-DNA position 1319, one base deleted (C; older notation c.1319delC).
Protein change: p.Pro440fs; shifts the reading frame from proline 440.
Molecular consequence: frameshift variant.
Genome position (GRCh38, 1-based): chr1:230,703,253, G deleted on the plus strand (C on the coding strand, the reverse complement: AGT is on the minus strand); the first of 2 consecutive G bases (chr1:230,703,253-230,703,254); deleting either gives the same sequence. VCF-style (leftmost placement, unchanged base first): chr1-230703252-AG-A. GRCh37 (hg19) VCF-style: chr1-230838998-AG-A.
Other names: c.1319del, p.Pro440fs (NM_001382817.3); short protein forms P440fs.
Identifiers: ClinVar variation 3655161 (VCV003655161.2).